The following is an entry in ClinVar:

NM_001351132.2(PEX5):c.133C>T (p.Pro45Ser)

Gene: PEX5 (peroxisomal biogenesis factor 5; plus strand). Cytogenetic location: 12p13.31.
Variant type: single nucleotide variant.
Coding change: c.133C>T on transcript NM_001351132.2 (MANE Select); coding-DNA position 133, C replaced by T.
Protein change: p.Pro45Ser; replaces proline 45 with serine.
Molecular consequence: missense variant.
Genome position (GRCh38, 1-based): chr12:7,190,510, C>T. VCF-style: chr12-7190510-C-T. GRCh37 (hg19) VCF-style: chr12-7343106-C-T.
Other names: c.133C>T, p.Pro45Ser (NM_000319.5, NM_001131023.2, NM_001131024.2 and 22 more transcripts); short protein forms P45S.
Identifiers: ClinVar variation 1387165 (VCV001387165.6), dbSNP rs1379216235, ClinGen allele CA383708184.
Genomic context (GRCh38, chr12:7,190,510, plus strand): 5'-ACCCAGGACAAGGCCCTTCGGCAGGAGGGATTGAGGCCTGGCCCCTGGCCCCCCGGAGCC[C>T]CGGCCTCTGAGGCAGTGAGTGTTCTTGAGGTGGAAAGCCCAGGTGCAGCCTCTGAGGCAG-3'
Protein context (NP_001338061.1, residues 35-55): LRPGPWPPGA[Pro45Ser]ASEAASKPLG

ClinVar aggregate classification (germline): Uncertain significance (1 of 4 stars; one submission).

Conditions:
Peroxisome biogenesis disorder 2B (PBD2B). Identifiers: Orphanet 44, MedGen C3550234, MONDO:0008736, OMIM 202370.

Submission:

Labcorp Genetics (formerly Invitae), Labcorp
Classification: Uncertain significance for Peroxisome biogenesis disorder 2B. Last evaluated: 2022-02-24. Review status: criteria provided, single submitter. Criteria: Invitae Variant Classification Sherloc (09022015). Collection method: clinical testing. Allele origin: germline.
Comment: Algorithms developed to predict the effect of missense changes on protein structure and function output the following: SIFT: "Tolerated"; PolyPhen-2: "Benign"; Align-GVGD: "Class C0". The serine amino acid residue is found in multiple mammalian species, which suggests that this missense change does not adversely affect protein function. In summary, the available evidence is currently insufficient to determine the role of this variant in disease. Therefore, it has been classified as a Variant of Uncertain Significance. This variant has not been reported in the literature in individuals affected with PEX5-related conditions. This variant is not present in population databases (gnomAD no frequency). This sequence change replaces proline, which is neutral and non-polar, with serine, which is neutral and polar, at codon 45 of the PEX5 protein (p.Pro45Ser).